The following is an entry in ClinVar:

NM_001374736.1(DST):c.1947G>C (p.Glu649Asp)

Gene: DST (dystonin; minus strand). Cytogenetic location: 6p12.1.
Variant type: single nucleotide variant.
Coding change: c.1947G>C on transcript NM_001374736.1 (MANE Select); coding-DNA position 1947, G replaced by C.
Protein change: p.Glu649Asp; replaces glutamic acid 649 with aspartic acid.
Molecular consequence: missense variant.
Genome position (GRCh38, 1-based): chr6:56,642,027, C>G on the plus strand (G>C on the coding strand, the complement: DST is on the minus strand). VCF-style: chr6-56642027-C-G. GRCh37 (hg19) VCF-style: chr6-56506825-C-G.
Other names: c.1848G>C, p.Glu616Asp (NM_001144769.5); c.1434G>C, p.Glu478Asp (NM_001144770.2); c.1947G>C, p.Glu649Asp (NM_001374722.1); c.1314G>C, p.Glu438Asp (NM_001374729.1, NM_001374730.1, NM_001386100.1 and 1 more transcripts); c.1974G>C, p.Glu658Asp (NM_001374734.1); c.336G>C, p.Glu112Asp (NM_001723.7, NM_015548.5); short protein forms E438D, E478D, E112D, E658D, E616D, E649D.
Identifiers: ClinVar variation 2160263 (VCV002160263.1), dbSNP rs752644009, ClinGen allele CA3871527.

ClinVar aggregate classification (germline): Uncertain significance (1 of 4 stars; one submission).

Conditions:
Hereditary sensory and autonomic neuropathy type 6. Also called: HSAN VI; Neuropathy, hereditary sensory and autonomic, type VI. Identifiers: Orphanet 314381, MedGen C3539003, MONDO:0013839, OMIM 614653.
Epidermolysis bullosa simplex 3, localized or generalized intermediate, with BP230 deficiency (EBS3). Also called: Epidermolysis bullosa simplex due to BP230 deficiency; Epidermolysis bullosa simplex, autosomal recessive 2. Identifiers: Orphanet 412181, MedGen C3809470, MONDO:0014180, OMIM 615425.

Allele frequency attached by ClinVar (database versions not stated): ExAC 0.00001; gnomAD 0.00001; gnomAD exomes 0.00001; TOPMed 0.00001.
gnomAD v4.1: 8 of 1,612,894 alleles (0.0005%); highest among the groups gnomAD compares: East Asian, 0.018%; no homozygotes.

Submission:

Labcorp Genetics (formerly Invitae), Labcorp
Classification: Uncertain significance for Epidermolysis bullosa simplex 3, localized or generalized intermediate, with BP230 deficiency; Hereditary sensory and autonomic neuropathy type 6. Last evaluated: 2021-11-30. Review status: criteria provided, single submitter. Criteria: Invitae Variant Classification Sherloc (09022015). Collection method: clinical testing. Allele origin: germline.
Comment: This sequence change replaces glutamic acid, which is acidic and polar, with aspartic acid, which is acidic and polar, at codon 112 of the DST protein (p.Glu112Asp). This variant is present in population databases (rs752644009, gnomAD 0.05%). This variant has not been reported in the literature in individuals affected with DST-related conditions. Algorithms developed to predict the effect of missense changes on protein structure and function (SIFT, PolyPhen-2, Align-GVGD) all suggest that this variant is likely to be disruptive. In summary, the available evidence is currently insufficient to determine the role of this variant in disease. Therefore, it has been classified as a Variant of Uncertain Significance.